The following is an entry in ClinVar:

ClinVar aggregate classification (germline): Uncertain significance (1 of 4 stars; one submission).

Submission:

GeneDx
Classification: Uncertain significance. Last evaluated: 2024-02-13. Review status: criteria provided, single submitter. Criteria: GeneDx Variant Classification Process June 2021. Collection method: clinical testing. Allele origin: germline. Affected: yes.
Comment: Not observed at significant frequency in large population cohorts (gnomAD); In silico analysis supports that this missense variant has a deleterious effect on protein structure/function; Has not been previously published as pathogenic or benign to our knowledge

NM_003336.4(UBE2A):c.419G>A (p.Arg140His)

Gene: UBE2A (ubiquitin conjugating enzyme E2 A; plus strand). Cytogenetic location: Xq24.
Variant type: single nucleotide variant.
Coding change: c.419G>A on transcript NM_003336.4 (MANE Select); coding-DNA position 419, G replaced by A.
Protein change: p.Arg140His; replaces arginine 140 with histidine.
Molecular consequence: missense variant.
Genome position (GRCh38, 1-based): chrX:119,583,215, G>A. VCF-style: chrX-119583215-G-A. GRCh37 (hg19) VCF-style: chrX-118717178-G-A.
Other names: c.320G>A, p.Arg107His (NM_001282161.2); c.329G>A, p.Arg110His (NM_181762.3); short protein forms R107H, R110H, R140H.
Identifiers: ClinVar variation 3369090 (VCV003369090.1).